The following is an entry in ClinVar:

NM_000038.6(APC):c.1560C>T (p.Cys520=)

Gene: APC (APC regulator of Wnt signaling pathway; plus strand). Cytogenetic location: 5q22.2.
Variant type: single nucleotide variant.
Coding change: c.1560C>T on transcript NM_000038.6 (MANE Select); coding-DNA position 1560, C replaced by T.
Protein change: p.Cys520=; no amino-acid change (cysteine 520 retained).
Molecular consequence: synonymous variant.
Genome position (GRCh38, 1-based): chr5:112,827,940, C>T. VCF-style: chr5-112827940-C-T. GRCh37 (hg19) VCF-style: chr5-112163637-C-T.
Other names: c.1560C>T, p.Cys520= (NM_001127510.3, NM_001354895.2); c.1506C>T, p.Cys502= (NM_001127511.3); c.1614C>T, p.Cys538= (NM_001354896.2); c.1590C>T, p.Cys530= (NM_001354897.2); c.1485C>T, p.Cys495= (NM_001354898.2); c.1476C>T, p.Cys492= (NM_001354899.2); c.1437C>T, p.Cys479= (NM_001354900.2); c.1383C>T, p.Cys461= (NM_001354901.2); and 5 more.
Identifiers: ClinVar variation 746103 (VCV000746103.14), dbSNP rs1580568821, ClinGen allele CA445756677.
Genomic context (GRCh38, chr5:112,827,940, plus strand): 5'-GCTTCAAGTTGTCTTTTTAATGATCCTCTATTCTGTATTTAATTTACAGGCTACGCTATG[C>T]TCTATGAAAGGCTGCATGAGAGCACTTGTGGCCCAACTAAAATCTGAAAGTGAAGACTTA-3'
Protein context (NP_000029.2, residues 510-530): FGDVANKATL[Cys520=]SMKGCMRALV

ClinVar aggregate classification (germline): Benign/Likely benign. Review status: criteria provided, multiple submitters, no conflicts (2 of 4 stars). 3 submissions from 3 submitters: Benign (1); Likely benign (2). Last evaluated 2025-10-03.

Conditions:
Hereditary cancer-predisposing syndrome. Also called: Tumor predisposition; Hereditary neoplastic syndrome; Neoplastic Syndromes, Hereditary; Hereditary Cancer Syndrome. Identifiers: Orphanet 140162, MedGen C0027672, MeSH D009386, MONDO:0015356.
Familial adenomatous polyposis 1 (FAP1). Also called: FAMILIAL ADENOMATOUS POLYPOSIS 1, ATTENUATED; POLYPOSIS, ADENOMATOUS INTESTINAL. Identifiers: MedGen C2713442, MONDO:0021056, OMIM 175100. Disease mechanism: loss of function.

Submissions (3):

Ambry Genetics
Classification: Likely benign for Hereditary cancer-predisposing syndrome. Last evaluated: 2025-10-03. Review status: criteria provided, single submitter. Criteria: Ambry Variant Classification Scheme 2023. Collection method: clinical testing. Allele origin: germline.

Myriad Genetics, Inc.
Classification: Benign for Familial adenomatous polyposis 1. Last evaluated: 2024-03-07. Review status: criteria provided, single submitter. Criteria: Myriad Autosomal Dominant, Autosomal Recessive and X-Linked Classification Criteria (2023). Collection method: clinical testing. Allele origin: unknown.
Comment: This variant is considered benign. This variant is a silent/synonymous amino acid change and it is not expected to impact splicing.

Labcorp Genetics (formerly Invitae), Labcorp
Classification: Likely benign for Familial adenomatous polyposis 1. Last evaluated: 2019-11-22. Review status: criteria provided, single submitter. Criteria: Invitae Variant Classification Sherloc (09022015). Collection method: clinical testing. Allele origin: germline.